The following is an entry in ClinVar:

ClinVar aggregate classification (germline): Uncertain significance (1 of 4 stars; one submission).

Conditions:
Hereditary cancer-predisposing syndrome. Also called: Neoplastic Syndromes, Hereditary; Tumor predisposition; Hereditary Cancer Syndrome; Hereditary neoplastic syndrome. Identifiers: Orphanet 140162, MedGen C0027672, MeSH D009386, MONDO:0015356.

Submission:

Ambry Genetics
Classification: Uncertain significance for Hereditary cancer-predisposing syndrome. Last evaluated: 2025-10-22. Review status: criteria provided, single submitter. Criteria: Ambry Variant Classification Scheme 2023. Collection method: clinical testing. Allele origin: germline.
Comment: The c.1018_1019delGAinsTT variant (also known as p.E340L), located in coding exon 7 of the PTCH1 gene, results from an in-frame deletion of GA and insertion of TT at nucleotide positions 1018 to 1019. This results in the substitution of the glutamic acid residue for a leucine residue at codon 340, an amino acid with dissimilar properties. This amino acid position is highly conserved in available vertebrate species. In addition, this variant is predicted to be deleterious by in silico analysis (Choi Y et al. PLoS ONE. 2012; 7(10):e46688). Based on the available evidence, the clinical significance of this variant remains unclear.

NM_000264.5(PTCH1):c.1018_1019delinsTT (p.Glu340Leu)

Gene: PTCH1 (patched 1; minus strand). Cytogenetic location: 9q22.32.
Variant type: Indel.
Coding change: c.1018_1019delinsTT on transcript NM_000264.5 (MANE Select); coding-DNA positions 1018 to 1019, GA replaced by TT.
Protein change: p.Glu340Leu; replaces glutamic acid 340 with leucine.
Molecular consequence: missense variant. On other transcripts: non-coding transcript variant (1).
Genome position (GRCh38, 1-based): chr9:95,480,017-95,480,018, TC replaced by AA on the plus strand (GA replaced by TT on the coding strand, the reverse complement: PTCH1 is on the minus strand). VCF-style: chr9-95480017-TC-AA. GRCh37 (hg19) VCF-style: chr9-98242299-TC-AA.
Other names: c.820_821delinsTT, p.Glu274Leu (NM_001083602.3); c.1015_1016delinsTT, p.Glu339Leu (NM_001083603.3); c.565_566delinsTT, p.Glu189Leu (NM_001083604.3, NM_001083605.3, NM_001083606.3 and 1 more transcripts); c.1018_1019delinsTT, p.Glu340Leu (NM_001354918.2); short protein forms E340L, E189L, E274L, E339L.
Identifiers: ClinVar variation 4675716 (VCV004675716.1).